The following is an entry in ClinVar:

NM_001042432.2(CLN3):c.141del (p.Leu46_Cys47insTer)

Gene: CLN3 (CLN3 lysosomal/endosomal transmembrane protein, battenin; minus strand). Cytogenetic location: 16p12.1.
Variant type: Deletion.
Coding change: c.141del on transcript NM_001042432.2 (MANE Select); coding-DNA position 141, one base deleted (C; older notation c.141delC).
Protein change: p.Leu46_Cys47insTer.
Molecular consequence: nonsense. On other transcripts: 5 prime UTR variant (3).
Genome position (GRCh38, 1-based): chr16:28,489,371, G deleted on the plus strand (C on the coding strand, the reverse complement: CLN3 is on the minus strand). VCF-style (leftmost placement, unchanged base first): chr16-28489370-TG-T. GRCh37 (hg19) VCF-style: chr16-28500691-TG-T.
Other names: c.141delC (NM_001042432.1); c.141del, p.Leu46_Cys47insTer (NM_000086.2, NM_001286104.2); c.-80del (NM_001286105.2); c.-22del (NM_001286109.2, NM_001286110.2).
Identifiers: ClinVar variation 421463 (VCV000421463.8), dbSNP rs1064795153, ClinGen allele CA16620182.
Genomic context (GRCh38, chr16:28,489,370, plus strand): 5'-TCCTCTTGTGGCTAAGGATGTCGTGGGCGGCACTCAGCATCACCACATAAGAGAAGTTGT[TG>T]CAAAGGCCCAGCAGCCTGGAAGGAGCAGGACAGGTCTCAACTCCCTCCTCATCCTGCAGC-3'

ClinVar aggregate classification (germline): Pathogenic/Likely pathogenic. Review status: criteria provided, multiple submitters, no conflicts (2 of 4 stars). 3 submissions from 3 submitters: Pathogenic (2); Likely pathogenic (1). Last evaluated 2026-08-19.

Conditions:
Neuronal ceroid lipofuscinosis. Also called: Neuronal Ceroid Lipofuscinoses. Identifiers: Orphanet 216, Orphanet 79263, MedGen C0027877, MONDO:0016295. Disease mechanism: loss of function.
Neuronal ceroid lipofuscinosis 3 (CLN3). Identifiers: Orphanet 228346, MedGen C0751383, MONDO:0008767, OMIM 204200.

Submissions (3):

Myriad Genetics, Inc.
Classification: Pathogenic for Neuronal ceroid lipofuscinosis 3. Last evaluated: 2026-08-19. Review status: criteria provided, single submitter. Criteria: Myriad Autosomal Dominant, Autosomal Recessive and X-Linked Classification Criteria (2023). Collection method: clinical testing. Allele origin: unknown.
Comment: NM_001042432.1(CLN3):c.141delC(C47*) is a nonsense variant classified as pathogenic in the context of CLN3-related disorders. C47* has not been observed in cases with relevant disease. Relevant functional assessments of this variant are not available in the literature. C47* has not been observed in referenced population frequency databases. In summary, NM_001042432.1(CLN3):c.141delC(C47*) is a nonsense variant in a gene where loss of function is a known mechanism of disease and is predicted to disrupt protein function. Please note: this variant was assessed in the context of healthy population screening.

Labcorp Genetics (formerly Invitae), Labcorp
Classification: Pathogenic for Neuronal ceroid lipofuscinosis. Last evaluated: 2021-11-24. Review status: criteria provided, single submitter. Criteria: Invitae Variant Classification Sherloc (09022015). Collection method: clinical testing. Allele origin: germline.
Comment: This sequence change creates a premature translational stop signal (p.Cys47*) in the CLN3 gene. It is expected to result in an absent or disrupted protein product. Loss-of-function variants in CLN3 are known to be pathogenic (PMID: 9311735, 28542676). This variant is not present in population databases (gnomAD no frequency). This variant has not been reported in the literature in individuals affected with CLN3-related conditions. ClinVar contains an entry for this variant (Variation ID: 421463). For these reasons, this variant has been classified as Pathogenic.

GeneDx
Classification: Likely pathogenic. Last evaluated: 2016-06-27. Review status: criteria provided, single submitter. Criteria: GeneDx Variant Classification (06012015). Collection method: clinical testing. Allele origin: germline. Affected: yes.
Comment: A novel c.141delC variant that is likely pathogenic has been identified in the CLN3 gene. The c.141delC variant has not been published as a pathogenic variant, nor has it been reported as a benign variant to our knowledge. It was not observed in approximately 6,500 individuals of European and African American ancestry in the NHLBI Exome Sequencing Project, indicating it is not a common benign variant in these populations. The c.141delC variant causes a frameshift starting with codon Cysteine 47 and changes this amino acid to a premature Stop codon, denoted p.Cys47Ter. The c.141delC variant is predicted to cause loss of normal protein function either through protein truncation or nonsense-mediated mRNA decay. Therefore, this variant is likely pathogenic; however, the possibility that it is benign cannot be excluded.

Literature cited by the submitters: PubMed 9311735 (cited by Labcorp Genetics (formerly Invitae), Labcorp); PubMed 28542676 (cited by Labcorp Genetics (formerly Invitae), Labcorp).